The following is an entry in ClinVar:

ClinVar aggregate classification (germline): Pathogenic. Review status: criteria provided, multiple submitters, no conflicts (2 of 4 stars). 6 submissions from 6 submitters: Pathogenic (5). 1 of the submissions does not count toward it. Last evaluated 2025-04-07.

Conditions:
Inborn genetic diseases. Identifiers: MedGen C0950123, MeSH D030342.
Megalencephalic leukoencephalopathy with subcortical cysts. Also called: VAN DER KNAAP DISEASE. Identifiers: Orphanet 2478, MedGen C1858854, MONDO:0011391.
Megalencephalic leukoencephalopathy with subcortical cysts 1 (MLC1). Also called: VACUOLATING MEGALENCEPHALIC LEUKOENCEPHALOPATHY WITH SUBCORTICAL CYSTS; LEUKOENCEPHALOPATHY WITH SWELLING AND CYSTS. Identifiers: Orphanet 2478, MedGen C5779875, MONDO:0024555, OMIM 604004.

Submissions (6):

Natera, Inc.
Classification: Pathogenic for Megalencephalic leukoencephalopathy with subcortical cysts. Last evaluated: 2025-04-07. Review status: criteria provided, single submitter. Criteria: Natera Variant Classification Schema (03/2026). Collection method: clinical testing. Allele origin: germline.
Comment: The c.908_918delTGCTGCTGCTGinsGCA variant in MLC1 is a frameshift variant predicted to elongate the protein beyond the termination codon. This variant is expected to result in nonsense mediated decay, truncation, or a dysfunctional protein product. This variant is rare in the general population with a frequency below the threshold expected for the associated phenotype(s). This variant has been observed in one or more individuals affected with the associated recessive disease, as either homozygous or compound heterozygous with a second variant (PMID: 11254442, 12497630, 21487377). Given the available evidence, this variant is classified as Pathogenic.

Fulgent Genetics
Classification: Pathogenic for Megalencephalic leukoencephalopathy with subcortical cysts 1. Last evaluated: 2024-03-15. Review status: criteria provided, single submitter. Criteria: ACMG Guidelines, 2015. Collection method: clinical testing. Allele origin: germline.

3billion
Classification: Pathogenic for Megalencephalic leukoencephalopathy with subcortical cysts 1. Last evaluated: 2024-03-14. Review status: criteria provided, single submitter. Criteria: ACMG Guidelines, 2015. Collection method: clinical testing. Allele origin: germline. Affected: yes.
Comment: The variant is not observed in the gnomAD v2.1.1 dataset. Predicted Consequence/Location: Frameshift: predicted to result in a loss or disruption of normal protein function through nonsense-mediated decay (NMD) or protein truncation. Multiple pathogenic variants are reported downstream of the variant. The variant has been reported to be associated with MLC1 related disorder (ClinVar ID: VCV001071728 /3billion dataset). Therefore, this variant is classified as Pathogenic according to the recommendation of ACMG/AMP guideline.

Baylor Genetics
Classification: Pathogenic for Megalencephalic leukoencephalopathy with subcortical cysts 1. Last evaluated: 2023-11-11. Review status: criteria provided, single submitter. Criteria: ACMG Guidelines, 2015. Collection method: clinical testing. Allele origin: unknown.

Ambry Genetics
Classification: Pathogenic for Inborn genetic diseases. Last evaluated: 2022-03-22. Review status: criteria provided, single submitter. Criteria: Ambry Variant Classification Scheme 2023. Collection method: clinical testing. Allele origin: germline.
Comment: The c.908_918delTGCTGCTGCTGinsGCA (p.V303Gfs*96) alteration, located in exon 11 (coding exon 10) of the MLC1 gene, consists of a deletion of 11 and insertion of 3 nucleotides causing a translational frameshift at position 908 with a predicted alternate stop codon after 96 amino acids. This alteration occurs at the 3' terminus of the MLC1 gene, is not expected to trigger nonsense-mediated mRNA decay, and only impacts the last 20% of the protein. However, premature stop codons are typically deleterious in nature and the impacted region is critical for protein function (Ambry internal data). This variant was not reported in population-based cohorts in the Genome Aggregation Database (gnomAD). This alteration has been detected in the homozygous state, and in conjunction with another MLC1 alteration, in multiple individuals with megalencephalic leukoencephalopathy with subcortical cysts (Abdel-Salam, 2016; Mahmoud, 2014; Broov&aacute;, 2019; Leegwater, 2001). Based on the available evidence, this alteration is classified as pathogenic.

GeneReviews
No classification provided. Condition: Megalencephalic leukoencephalopathy with subcortical cysts 1. Review status: no classification provided. Collection method: literature only. Allele origin: germline. Not counted in ClinVar's aggregate classification.

Literature cited by the submitters: PubMed 11254442 (cited by Natera, Inc. and Ambry Genetics); PubMed 12497630 (cited by Natera, Inc.); PubMed 21487377 (cited by Natera, Inc.); PubMed 24315536 (cited by Ambry Genetics); PubMed 27389245 (cited by Ambry Genetics and GeneReviews); PubMed 31302377 (cited by Ambry Genetics); NCBI Bookshelf NBK1535 (cited by GeneReviews).

NM_015166.4(MLC1):c.908_918delinsGCA (p.Val303fs)

Gene: MLC1 (modulator of VRAC current 1; minus strand). Cytogenetic location: 22q13.33.
Variant type: Indel.
Coding change: c.908_918delinsGCA on transcript NM_015166.4 (MANE Select); coding-DNA positions 908 to 918, TGCTGCTGCTG replaced by GCA.
Protein change: p.Val303fs; shifts the reading frame from valine 303.
Molecular consequence: frameshift variant. On other transcripts: non-coding transcript variant (3).
Genome position (GRCh38, 1-based): chr22:50,064,175-50,064,185, CAGCAGCAGCA replaced by TGC on the plus strand (TGCTGCTGCTG replaced by GCA on the coding strand, the reverse complement: MLC1 is on the minus strand). VCF-style: chr22-50064175-CAGCAGCAGCA-TGC. GRCh37 (hg19) VCF-style: chr22-50502604-CAGCAGCAGCA-TGC.
Other names: c.908_918delTGCTGCTGCTGinsGCA (NM_015166.3); c.908_918delinsGCA, p.Val303fs (NM_001376472.1, NM_001376473.1, NM_001376474.1 and 5 more transcripts); c.851_861delinsGCA, p.Val284fs (NM_001376479.1); c.818_828delinsGCA, p.Val273fs (NM_001376480.1); c.806_816delinsGCA, p.Val269fs (NM_001376481.1); c.752_762delinsGCA, p.Val251fs (NM_001376482.1, NM_001376483.1); c.671_681delinsGCA, p.Val224fs (NM_001376484.1); short protein forms V224fs, V251fs, V269fs, V273fs, V284fs, V303fs.
Identifiers: ClinVar variation 1702863 (VCV001702863.10), dbSNP rs2146772952, ClinGen allele CA2580099917.